The following is an entry in ClinVar:

ClinVar aggregate classification (germline): Conflicting classifications of pathogenicity. Review status: criteria provided, conflicting classifications (1 of 4 stars). 2 submissions from 2 submitters: Uncertain significance (1); Likely benign (1). Last evaluated 2026-04-01.

Conditions:
Dyskeratosis congenita. Identifiers: Orphanet 1775, MedGen C0265965, MONDO:0015780.

Allele frequency attached by ClinVar (database versions not stated): ExAC 0.00001; gnomAD 0.00001; TOPMed 0.00001; gnomAD exomes 0.00003.
gnomAD v4.1: 38 of 1,613,842 alleles (0.0024%); highest among the groups gnomAD compares: Non-Finnish European, 0.0031%; no homozygotes.

Submissions (2):

CeGaT Center for Human Genetics Tuebingen
Classification: Likely benign. Last evaluated: 2026-04-01. Review status: criteria provided, single submitter. Criteria: CeGaT Center For Human Genetics Tuebingen Variant Classification Criteria Version 2. Collection method: clinical testing. Allele origin: germline. Affected: yes. Observed: 1 variant allele.
Comment: CTC1: BP4, BP7

Labcorp Genetics (formerly Invitae), Labcorp
Classification: Uncertain significance for Dyskeratosis congenita. Last evaluated: 2022-04-20. Review status: criteria provided, single submitter. Criteria: Invitae Variant Classification Sherloc (09022015). Collection method: clinical testing. Allele origin: germline.
Comment: In summary, the available evidence is currently insufficient to determine the role of this variant in disease. Therefore, it has been classified as a Variant of Uncertain Significance. Algorithms developed to predict the effect of sequence changes on RNA splicing suggest that this variant may disrupt the consensus splice site. This variant has not been reported in the literature in individuals affected with CTC1-related conditions. This variant is not present in population databases (gnomAD no frequency). This sequence change affects codon 353 of the CTC1 mRNA. It is a 'silent' change, meaning that it does not change the encoded amino acid sequence of the CTC1 protein.

NM_025099.6(CTC1):c.1059T>C (p.Ser353=)

Gene: CTC1 (CST telomere replication complex component 1; minus strand). Cytogenetic location: 17p13.1.
Variant type: single nucleotide variant.
Coding change: c.1059T>C on transcript NM_025099.6 (MANE Select); coding-DNA position 1059, T replaced by C.
Protein change: p.Ser353=; no amino-acid change (serine 353 retained).
Molecular consequence: synonymous variant. On other transcripts: non-coding transcript variant (1).
Genome position (GRCh38, 1-based): chr17:8,236,076, A>G on the plus strand (T>C on the coding strand, the complement: CTC1 is on the minus strand). VCF-style: chr17-8236076-A-G. GRCh37 (hg19) VCF-style: chr17-8139394-A-G.
Other names: c.1059T>C, p.Ser353= (NM_001411067.1).
Identifiers: ClinVar variation 2065766 (VCV002065766.6), dbSNP rs764463625, ClinGen allele CA8372488.